The following is an entry in ClinVar:

NM_001918.5(DBT):c.783del (p.Ala262fs)

Gene: DBT (dihydrolipoamide branched chain transacylase E2; minus strand). Cytogenetic location: 1p21.2.
Variant type: Deletion.
Coding change: c.783del on transcript NM_001918.5 (MANE Select); coding-DNA position 783, one base deleted (A; older notation c.783delA).
Protein change: p.Ala262fs; shifts the reading frame from alanine 262.
Molecular consequence: frameshift variant. On other transcripts: non-coding transcript variant (4).
Genome position (GRCh38, 1-based): chr1:100,214,973, T deleted on the plus strand (A on the coding strand, the reverse complement: DBT is on the minus strand); the first of 5 consecutive T bases (chr1:100,214,973-100,214,977); deleting any one gives the same sequence. VCF-style (leftmost placement, unchanged base first): chr1-100214972-CT-C. GRCh37 (hg19) VCF-style: chr1-100680528-CT-C.
Other names: c.240del, p.Ala81fs (NM_001399969.1, NM_001399972.1); short protein forms A262fs, A81fs.
Identifiers: ClinVar variation 3009247 (VCV003009247.4), dbSNP rs2524148089, ClinGen allele CA2740090240.
Genomic context (GRCh38, chr1:100,214,972, plus strand): 5'-TCTCATCACAATAACCAAAATGAGGTATCTTCAGGGCTGCAGACATAGTCTTGACCATTG[CT>C]TTTTGAAAGCCTGAAAAGCATTAAATTGTTATTCATTTATTTAAATTCTCAAATCTCTTC-3'

ClinVar aggregate classification (germline): Pathogenic (1 of 4 stars; one submission).

Conditions:
Maple syrup urine disease (MSUD). Identifiers: Orphanet 511, MedGen C0024776, MeSH D008375, MONDO:0009563. Disease mechanism: loss of function.

Submission:

Labcorp Genetics (formerly Invitae), Labcorp
Classification: Pathogenic for Maple syrup urine disease. Last evaluated: 2023-11-17. Review status: criteria provided, single submitter. Criteria: Invitae Variant Classification Sherloc (09022015). Collection method: clinical testing. Allele origin: germline.
Comment: This sequence change creates a premature translational stop signal (p.Ala262Glnfs*10) in the DBT gene. It is expected to result in an absent or disrupted protein product. Loss-of-function variants in DBT are known to be pathogenic (PMID: 16579849, 16786533). This variant is not present in population databases (gnomAD no frequency). This variant has not been reported in the literature in individuals affected with DBT-related conditions. For these reasons, this variant has been classified as Pathogenic.

Literature cited by the submitters: PubMed 16579849; PubMed 16786533.